The following is an entry in ClinVar:

ClinVar aggregate classification (germline): Uncertain significance. Review status: criteria provided, multiple submitters, no conflicts (2 of 4 stars). 3 submissions from 3 submitters: Uncertain significance (3). Last evaluated 2024-08-20.

Conditions:
Retinitis pigmentosa 62 (RP62). Identifiers: Orphanet 791, MedGen C3280042, MONDO:0013611, OMIM 614181.

Allele frequency attached by ClinVar (database versions not stated): gnomAD exomes below 0.00001.
gnomAD v4.1: 1 of 1,614,020 alleles (0.000062%); highest among the groups gnomAD compares: Non-Finnish European, 0.000085%; no homozygotes.

Submissions (3):

Blueprint Genetics
Classification: Uncertain significance. Last evaluated: 2024-08-20. Review status: criteria provided, single submitter. Criteria: ACMG Guidelines, 2015. Collection method: clinical testing. Allele origin: germline.

Molecular Genetics, Royal Melbourne Hospital
Classification: Uncertain significance for Retinitis pigmentosa 62. Last evaluated: 2023-03-30. Review status: criteria provided, single submitter. Criteria: ACMG Guidelines, 2015. Collection method: clinical testing. Allele origin: germline. Affected: yes.
Comment: This sequence change in MAK is predicted to replace tyrosine with histidine at codon 644 (p.(Tyr644His)). The tyrosine residue is highly conserved (100 vertebrates, UCSC), and is not located in an annotated functional domain. There is a moderate physicochemical difference between tyrosine and histidine. This variant is absent from gnomAD v2.1 and v3.1. To our knowledge, this variant has not been reported in the literature in any individuals with MAK-related disease. Multiple lines of computational evidence predict a deleterious effect for the missense substitution (6/6 algorithms). Based on the classification scheme RMH Modified ACMG Guidelines v1.4.0, this variant is classified as a VARIANT OF UNCERTAIN SIGNIFICANCE. Following criteria are met: PM2_Supporting, PP3.

Labcorp Genetics (formerly Invitae), Labcorp
Classification: Uncertain significance. Last evaluated: 2022-06-13. Review status: criteria provided, single submitter. Criteria: Invitae Variant Classification Sherloc (09022015). Collection method: clinical testing. Allele origin: germline.
Comment: This sequence change replaces tyrosine, which is neutral and polar, with histidine, which is basic and polar, at codon 644 of the MAK protein (p.Tyr644His). This variant is not present in population databases (gnomAD no frequency). This variant has not been reported in the literature in individuals affected with MAK-related conditions. ClinVar contains an entry for this variant (Variation ID: 1326972). Experimental studies and prediction algorithms are not available or were not evaluated, and the functional significance of this variant is currently unknown. In summary, the available evidence is currently insufficient to determine the role of this variant in disease. Therefore, it has been classified as a Variant of Uncertain Significance.

NM_001242957.3(MAK):c.1930T>C (p.Tyr644His)

Gene: MAK (male germ cell associated kinase; minus strand). Cytogenetic location: 6p24.2.
Variant type: single nucleotide variant.
Coding change: c.1930T>C on transcript NM_001242957.3 (MANE Select); coding-DNA position 1930, T replaced by C.
Protein change: p.Tyr644His; replaces tyrosine 644 with histidine.
Molecular consequence: missense variant. On other transcripts: non-coding transcript variant (2).
Genome position (GRCh38, 1-based): chr6:10,764,469, A>G on the plus strand (T>C on the coding strand, the complement: MAK is on the minus strand). VCF-style: chr6-10764469-A-G. GRCh37 (hg19) VCF-style: chr6-10764702-A-G.
Other names: c.1735T>C, p.Tyr579His (NM_001242385.2); c.1633T>C, p.Tyr545His (NM_001377262.1); c.1855T>C, p.Tyr619His (NM_005906.6); short protein forms Y545H, Y579H, Y619H, Y644H.
Identifiers: ClinVar variation 1326972 (VCV001326972.10), dbSNP rs1581624496, ClinGen allele CA362719003.